The following is an entry in ClinVar:

ClinVar aggregate classification (germline): Uncertain significance (1 of 4 stars; one submission).

Conditions:
Familial thoracic aortic aneurysm and aortic dissection (TAAD). Also called: Thoracic aortic aneurysms and dissections. Identifiers: Orphanet 91387, MedGen C4707243, MONDO:0019625.

Submission:

Ambry Genetics
Classification: Uncertain significance for Familial thoracic aortic aneurysm and aortic dissection. Last evaluated: 2016-04-18. Review status: criteria provided, single submitter. Criteria: Ambry Variant Classification Scheme 2023. Collection method: clinical testing. Allele origin: germline.
Comment: The p.R344P variant (also known as c.1031G>C), located in coding exon 9 of the FBN1 gene, results from a G to C substitution at nucleotide position 1031. The arginine at codon 344 is replaced by proline, an amino acid with dissimilar properties. Another alteration affecting this amino acid position (p.R344C, c.1030C>T) was reported in an individual with some features, but who did not meet criteria for Marfan syndrome (Baudhuin LM et al. J Hum Genet. 2015;60(5):241-52). This variant was not reported in population based cohorts in the following databases: Database of Single Nucleotide Polymorphisms (dbSNP), NHLBI Exome Sequencing Project (ESP), and 1000 Genomes Project. In the ESP, this variant was not observed in 6493 samples (12986 alleles) with coverage at this position. This amino acid position is highly conserved in available vertebrate species. In addition, this alteration is predicted to be deleterious by in silico analysis. Since supporting evidence is limited at this time, the clinical significance of this variant remains unclear.

Literature cited by the submitters: PubMed 25652356.

NM_000138.5(FBN1):c.1031G>C (p.Arg344Pro)

Genes: FBN1 (fibrillin 1; minus strand), LOC113939944 (Sharpr-MPRA regulatory region 9539; plus strand). Cytogenetic location: 15q21.1.
Variant type: single nucleotide variant.
Coding change: c.1031G>C on transcript NM_000138.5 (MANE Select); coding-DNA position 1031, G replaced by C.
Protein change: p.Arg344Pro; replaces arginine 344 with proline.
Molecular consequence: missense variant.
Genome position (GRCh38, 1-based): chr15:48,520,775, C>G on the plus strand (G>C on the coding strand, the complement: FBN1 is on the minus strand). VCF-style: chr15-48520775-C-G. GRCh37 (hg19) VCF-style: chr15-48812972-C-G.
Other names: short protein forms R344P.
Identifiers: ClinVar variation 519711 (VCV000519711.5), dbSNP rs200388305, ClinGen allele CA392347819.